The following is an entry in ClinVar:

ClinVar aggregate classification (germline): Uncertain significance. Review status: criteria provided, multiple submitters, no conflicts (2 of 4 stars). 2 submissions from 2 submitters: Uncertain significance (2). Last evaluated 2020-09-09.

Conditions:
Familial hemiplegic migraine. Identifiers: MedGen C0338484, MONDO:0000700.

Allele frequency attached by ClinVar (database versions not stated): TOPMed below 0.00001; gnomAD 0.00001.
gnomAD v4.1: 1 of 1,614,088 alleles (0.000062%); highest among the groups gnomAD compares: African/African-American, 0.0013%; no homozygotes.

Submissions (2):

Labcorp Genetics (formerly Invitae), Labcorp
Classification: Uncertain significance for Familial hemiplegic migraine. Last evaluated: 2020-09-09. Review status: criteria provided, single submitter. Criteria: Invitae Variant Classification Sherloc (09022015). Collection method: clinical testing. Allele origin: germline.
Comment: This sequence change replaces alanine with threonine at codon 963 of the ATP1A2 protein (p.Ala963Thr). The alanine residue is highly conserved and there is a small physicochemical difference between alanine and threonine. This variant is not present in population databases (ExAC no frequency). This variant has not been reported in the literature in individuals with ATP1A2-related conditions. ClinVar contains an entry for this variant (Variation ID: 388839). Advanced modeling of protein sequence and biophysical properties (such as structural, functional, and spatial information, amino acid conservation, physicochemical variation, residue mobility, and thermodynamic stability) performed at Invitae indicates that this missense variant is not expected to disrupt ATP1A2 protein function. In summary, the available evidence is currently insufficient to determine the role of this variant in disease. Therefore, it has been classified as a Variant of Uncertain Significance.

GeneDx
Classification: Uncertain significance. Last evaluated: 2020-06-25. Review status: criteria provided, single submitter. Criteria: GeneDx Variant Classification Process June 2021. Collection method: clinical testing. Allele origin: germline. Affected: yes.
Comment: Not observed in large population cohorts (Lek et al., 2016); In silico analysis, which includes protein predictors and evolutionary conservation, supports that this variant does not alter protein structure/function; Has not been previously published as pathogenic or benign to our knowledge

NM_000702.4(ATP1A2):c.2887G>A (p.Ala963Thr)

Gene: ATP1A2 (ATPase Na+/K+ transporting subunit alpha 2; plus strand). Cytogenetic location: 1q23.2.
Variant type: single nucleotide variant.
Coding change: c.2887G>A on transcript NM_000702.4 (MANE Select); coding-DNA position 2887, G replaced by A.
Protein change: p.Ala963Thr; replaces alanine 963 with threonine.
Molecular consequence: missense variant.
Genome position (GRCh38, 1-based): chr1:160,139,686, G>A. VCF-style: chr1-160139686-G-A. GRCh37 (hg19) VCF-style: chr1-160109476-G-A.
Other names: short protein forms A963T.
Identifiers: ClinVar variation 388839 (VCV000388839.12), dbSNP rs1057523245, ClinGen allele CA16603448.